The following is an entry in ClinVar:

NM_138773.4(SLC25A46):c.631G>A (p.Val211Met)

Gene: SLC25A46 (solute carrier family 25 member 46; plus strand). Cytogenetic location: 5q22.1.
Variant type: single nucleotide variant.
Coding change: c.631G>A on transcript NM_138773.4 (MANE Select); coding-DNA position 631, G replaced by A.
Protein change: p.Val211Met; replaces valine 211 with methionine.
Molecular consequence: missense variant. On other transcripts: non-coding transcript variant (1).
Genome position (GRCh38, 1-based): chr5:110,756,712, G>A. VCF-style: chr5-110756712-G-A. GRCh37 (hg19) VCF-style: chr5-110092412-G-A.
Other names: p.Val211Met; c.631G>A, p.Val211Met (NM_001303249.3); c.358G>A, p.Val120Met (NM_001303250.3); c.631G>A (NM_138773.3); short protein forms V211M, V120M.
Identifiers: ClinVar variation 475799 (VCV000475799.63), dbSNP rs114859074, ClinGen allele CA3364676.
Genomic context (GRCh38, chr5:110,756,712, plus strand): 5'-TATAAGCATCTTGTTTCAGTATACTGATAAATTTGTTTTAATTTCTATAGCCTAACTTAC[G>A]TGGTGGCAATGCCTTTTTATTCAGCAAGTCTGATTGAAACAGTGCAGGTGAGCTTTTTTT-3'
Protein context (NP_620128.1, residues 201-221): EHLLLKSLTY[Val211Met]VAMPFYSASL

ClinVar aggregate classification (germline): Benign/Likely benign. Review status: criteria provided, multiple submitters, no conflicts (2 of 4 stars). 10 submissions from 10 submitters: Benign (1); Likely benign (6). 3 of the submissions do not count toward it. Last evaluated 2026-03-01.

Conditions:
Neuropathy, hereditary motor and sensory, type 6B (HMSN6B). Also called: HMSN VIB; CHARCOT-MARIE-TOOTH DISEASE, TYPE 6B; NEUROPATHY, HEREDITARY MOTOR AND SENSORY, TYPE VIB, WITH OPTIC ATROPHY; Neuropathy, hereditary motor and sensory, type VIB. Identifiers: MedGen C4225302, MONDO:0014671, OMIM 616505.
SLC25A46-related disorder. Also called: SLC25A46-related condition.
Inborn genetic diseases. Identifiers: MedGen C0950123, MeSH D030342.

Allele frequency attached by ClinVar (database versions not stated): 1000 Genomes Project 30x 0.00094; 1000 Genomes Project 0.00100; TOPMed 0.00189; gnomAD exomes 0.00257 and 0.00277; ExAC 0.00277; ESP Exome Variant Server 0.00300.
gnomAD v4.1: 4,269 of 1,572,574 alleles (0.27%); highest among the groups gnomAD compares: Middle Eastern, 0.51%; 15 homozygotes.

Submissions (10):

CeGaT Center for Human Genetics Tuebingen
Classification: Likely benign. Last evaluated: 2026-03-01. Review status: criteria provided, single submitter. Criteria: CeGaT Center For Human Genetics Tuebingen Variant Classification Criteria Version 2. Collection method: clinical testing. Allele origin: germline. Affected: yes. Observed: 21 variant alleles.
Comment: SLC25A46: BP4, BS2

Labcorp Genetics (formerly Invitae), Labcorp
Classification: Likely benign for Neuropathy, hereditary motor and sensory, type 6B. Last evaluated: 2026-02-03. Review status: criteria provided, single submitter. Criteria: Invitae Variant Classification Sherloc (09022015). Collection method: clinical testing. Allele origin: germline.

Blueprint Genetics
Classification: Likely benign. Last evaluated: 2024-11-23. Review status: criteria provided, single submitter. Criteria: ACMG Guidelines, 2015. Collection method: clinical testing. Allele origin: germline.

Mayo Clinic Laboratories, Mayo Clinic
Classification: Benign. Last evaluated: 2023-09-18. Review status: criteria provided, single submitter. Criteria: ACMG Guidelines, 2015. Collection method: clinical testing. Allele origin: germline. Observed: 12 variant alleles.
Comment: BS1, BS2, BP4

Ambry Genetics
Classification: Likely benign for Inborn genetic diseases. Last evaluated: 2021-07-14. Review status: criteria provided, single submitter. Criteria: Ambry Variant Classification Scheme 2023. Collection method: clinical testing. Allele origin: germline.

GeneDx
Classification: Likely benign. Last evaluated: 2021-03-03. Review status: criteria provided, single submitter. Criteria: GeneDx Variant Classification Process June 2021. Collection method: clinical testing. Allele origin: germline. Affected: yes.

Breakthrough Genomics
Classification: Likely benign. Review status: criteria provided, single submitter. Criteria: ACMG Guidelines, 2015. Collection method: not provided. Allele origin: germline. Inheritance: Autosomal recessive inheritance. Affected: yes.

PreventionGenetics, part of Exact Sciences
Classification: Likely benign for SLC25A46-related condition. Last evaluated: 2020-02-17. Review status: no assertion criteria provided. Collection method: clinical testing. Allele origin: germline. Not counted in ClinVar's aggregate classification.
Comment: This variant is classified as likely benign based on ACMG/AMP sequence variant interpretation guidelines (Richards et al. 2015 PMID: 25741868, with internal and published modifications).

Clinical Genetics DNA and cytogenetics Diagnostics Lab, Erasmus MC, Erasmus Medical Center
Classification: Likely benign. Review status: no assertion criteria provided. Collection method: clinical testing. Allele origin: germline. Affected: yes. Study: VKGL Data-share Consensus. Not counted in ClinVar's aggregate classification.

Clinical Genetics, Academic Medical Center
Classification: Benign. Review status: no assertion criteria provided. Collection method: clinical testing. Allele origin: germline. Affected: yes. Study: VKGL Data-share Consensus. Not counted in ClinVar's aggregate classification.